The following is an entry in ClinVar:

NM_015559.3(SETBP1):c.1042C>T (p.Pro348Ser)

Gene: SETBP1 (SET binding protein 1; plus strand). Cytogenetic location: 18q12.3.
Variant type: single nucleotide variant.
Coding change: c.1042C>T on transcript NM_015559.3 (MANE Select); coding-DNA position 1042, C replaced by T.
Protein change: p.Pro348Ser; replaces proline 348 with serine.
Molecular consequence: missense variant.
Genome position (GRCh38, 1-based): chr18:44,950,382, C>T. VCF-style: chr18-44950382-C-T. GRCh37 (hg19) VCF-style: chr18-42530347-C-T.
Other names: c.1042C>T, p.Pro348Ser (NM_001379141.1, NM_001379142.1, NM_001410862.1); short protein forms P348S.
Identifiers: ClinVar variation 4754216 (VCV004754216.1).
Genomic context (GRCh38, chr18:44,950,382, plus strand): 5'-CCACCTACGGTGGGCAGCAAGAAAAAGTCCAGTAAAAAAGATGTGATAAGTCAGACCATA[C>T]CAAACCCAGACCTGGATTGGGTCAAGAATGCCCAGAAAGCATTTGACAATACAGAAGGGA-3'
Protein context (NP_056374.2, residues 338-358): SKKDVISQTI[Pro348Ser]NPDLDWVKNA

ClinVar aggregate classification (germline): Uncertain significance (1 of 4 stars; one submission).

gnomAD v4.1: 16 of 1,614,106 alleles (0.00099%); highest among the groups gnomAD compares: East Asian, 0.036%; no homozygotes.

Submission:

Labcorp Genetics (formerly Invitae), Labcorp
Classification: Uncertain significance. Last evaluated: 2025-08-25. Review status: criteria provided, single submitter. Criteria: Invitae Variant Classification Sherloc (09022015). Collection method: clinical testing. Allele origin: germline.
Comment: This sequence change replaces proline, which is neutral and non-polar, with serine, which is neutral and polar, at codon 348 of the SETBP1 protein (p.Pro348Ser). This variant is not present in population databases (gnomAD no frequency). This variant has not been reported in the literature in individuals affected with SETBP1-related conditions. Invitae Evidence Modeling of protein sequence and biophysical properties (such as structural, functional, and spatial information, amino acid conservation, physicochemical variation, residue mobility, and thermodynamic stability) indicates that this missense variant is not expected to disrupt SETBP1 protein function with a negative predictive value of 80%. In summary, the available evidence is currently insufficient to determine the role of this variant in disease. Therefore, it has been classified as a Variant of Uncertain Significance.